The following is an entry in ClinVar:

ClinVar aggregate classification (germline): Uncertain significance (1 of 4 stars; one submission).

Conditions:
Hajdu-Cheney syndrome (HJCYS). Also called: SERPENTINE FIBULA-POLYCYSTIC KIDNEY SYNDROME; Acroosteolysis dominant type; ACROOSTEOLYSIS WITH OSTEOPOROSIS AND CHANGES IN SKULL AND MANDIBLE. Identifiers: Orphanet 955, MedGen C0917715, MONDO:0007057, OMIM 102500.

gnomAD v4.1: 4 of 1,614,152 alleles (0.00025%); highest among the groups gnomAD compares: South Asian, 0.0022%; no homozygotes.

Submission:

Labcorp Genetics (formerly Invitae), Labcorp
Classification: Uncertain significance for Hajdu-Cheney syndrome. Last evaluated: 2024-05-23. Review status: criteria provided, single submitter. Criteria: Invitae Variant Classification Sherloc (09022015). Collection method: clinical testing. Allele origin: germline.
Comment: This sequence change replaces valine, which is neutral and non-polar, with isoleucine, which is neutral and non-polar, at codon 968 of the NOTCH2 protein (p.Val968Ile). This variant is present in population databases (no rsID available, gnomAD 0.003%). This variant has not been reported in the literature in individuals affected with NOTCH2-related conditions. Advanced modeling of protein sequence and biophysical properties (such as structural, functional, and spatial information, amino acid conservation, physicochemical variation, residue mobility, and thermodynamic stability) performed at Invitae indicates that this missense variant is not expected to disrupt NOTCH2 protein function with a negative predictive value of 80%. In summary, the available evidence is currently insufficient to determine the role of this variant in disease. Therefore, it has been classified as a Variant of Uncertain Significance.

NM_024408.4(NOTCH2):c.2902G>A (p.Val968Ile)

Gene: NOTCH2 (notch receptor 2; minus strand). Cytogenetic location: 1p12.
Variant type: single nucleotide variant.
Coding change: c.2902G>A on transcript NM_024408.4 (MANE Select); coding-DNA position 2902, G replaced by A.
Protein change: p.Val968Ile; replaces valine 968 with isoleucine.
Molecular consequence: missense variant.
Genome position (GRCh38, 1-based): chr1:119,941,605, C>T on the plus strand (G>A on the coding strand, the complement: NOTCH2 is on the minus strand). VCF-style: chr1-119941605-C-T. GRCh37 (hg19) VCF-style: chr1-120484228-C-T.
Other names: c.2902G>A, p.Val968Ile (NM_001200001.2); short protein forms V968I.
Identifiers: ClinVar variation 3603617 (VCV003603617.2).